The following is an entry in ClinVar:

NM_001009944.3(PKD1):c.8204A>T (p.Gln2735Leu)

Gene: PKD1 (polycystin 1, transient receptor potential channel interacting; minus strand). Cytogenetic location: 16p13.3.
Variant type: single nucleotide variant.
Coding change: c.8204A>T on transcript NM_001009944.3 (MANE Select); coding-DNA position 8204, A replaced by T.
Protein change: p.Gln2735Leu; replaces glutamine 2735 with leucine.
Molecular consequence: missense variant.
Genome position (GRCh38, 1-based): chr16:2,103,853, T>A on the plus strand (A>T on the coding strand, the complement: PKD1 is on the minus strand). VCF-style: chr16-2103853-T-A. GRCh37 (hg19) VCF-style: chr16-2153854-T-A.
Other names: p.Gln2735Leu; c.8204A>T, p.Gln2735Leu (NM_000296.4); c.8204A>T (NM_001009944.2); short protein forms Q2735L.
Identifiers: ClinVar variation 994020 (VCV000994020.41), dbSNP rs141717814, ClinGen allele CA7830613.
Genomic context (GRCh38, chr16:2,103,853, plus strand): 5'-AGGTTGTAGGCCTGGGACGCCACCATCCGAGATGGTGACTCGGCTCCCAGCTCTGAGGGC[T>A]GTGGTGCCCGCACGTCCGAGCTGGCCAGGTGGATGAGGTCTCCTGCAGACATGCGTGAGG-3'
Protein context (NP_001009944.3, residues 2725-2745): HLASSDVRAP[Gln2735Leu]PSELGAESPS

ClinVar aggregate classification (germline): Conflicting classifications of pathogenicity. Review status: criteria provided, conflicting classifications (1 of 4 stars). 11 submissions from 11 submitters: Uncertain significance (1); Benign (2); Likely benign (6). 2 of the submissions do not count toward it. Last evaluated 2025-06-18.

Conditions:
Inborn genetic diseases. Identifiers: MedGen C0950123, MeSH D030342.
Polycystic kidney disease, adult type (PKD1). Also called: Polycystic Kidney, Autosomal Dominant; POLYCYSTIC KIDNEY DISEASE, ADULT, TYPE I; Polycystic Kidney Disease 1, Autosomal Dominant; Polycystic kidney disease 1; Polycystic kidney disease 1, severe; POLYCYSTIC KIDNEY DISEASE 1 WITH OR WITHOUT POLYCYSTIC LIVER DISEASE. Identifiers: MedGen C3149841, MONDO:0008263, OMIM 173900.

Allele frequency attached by ClinVar (database versions not stated): TOPMed 0.00070; 1000 Genomes Project 0.00080; 1000 Genomes Project 30x 0.00094.
gnomAD v4.1: 2,170 of 1,603,056 alleles (0.14%); highest among the groups gnomAD compares: Non-Finnish European, 0.17%; 2 homozygotes.

Submissions (11):

Women's Health and Genetics/Laboratory Corporation of America, LabCorp
Classification: Likely benign. Last evaluated: 2025-06-18. Review status: criteria provided, single submitter. Criteria: LabCorp Variant Classification Summary - May 2015. Collection method: clinical testing. Allele origin: germline.
Comment: Variant summary: PKD1 c.8204A>T (p.Gln2735Leu) results in a non-conservative amino acid change in the encoded protein sequence. Algorithms developed to predict the effect of missense changes on protein structure and function are either unavailable or do not agree on the potential impact of this missense change. The variant allele was found at a frequency of 0.0014 in 1597738 control chromosomes, predominantly at a frequency of 0.0017 within the Non-Finnish European subpopulation in the gnomAD database, including 2 homozygotes. The observed variant frequency within Non-Finnish European control individuals in the gnomAD database is approximately 3.4-fold of the estimated maximal expected allele frequency for a pathogenic variant in PKD1 causing Polycystic Kidney Disease 1 phenotype (0.0005). Of note however, variant co-occurrence analysis in gnomAD indicates that two neighboring missense variants, i.e. c.8200C>A (p.Pro2734Thr) and c.8204A>T (p.Gln2735Leu), are on the same haplotype in most individuals. The two neighboring missense variants, c.8200C>A (p.Pro2734Thr) and c.8204A>T (p.Gln2735Leu), were also reported together in individuals affected with Polycystic Kidney Disease 1 (Rossetti_2001, Garcia Gonzalez_2007), however both variants were considered to be polymorphisms, in addition, one of these studies specified a co-occurrence with a likely pathogenic variant which could explain the phenotype (Garcia Gonzalez_2007). To our knowledge, no experimental evidence demonstrating an impact on protein function has been reported. The following publications have been ascertained in the context of this evaluation (PMID: 11115377, 17574468). ClinVar contains an entry for this variant (Variation ID: 994020). Based on the evidence outlined above, the variant was classified as likely benign.

Laboratory of Genetics, Children's Clinical University Hospital Latvia
Classification: Likely benign. Last evaluated: 2025-02-16. Review status: criteria provided, single submitter. Criteria: ACMG Guidelines, 2015. Collection method: clinical testing. Allele origin: germline. Affected: yes.

CeGaT Center for Human Genetics Tuebingen
Classification: Benign. Last evaluated: 2024-12-01. Review status: criteria provided, single submitter. Criteria: CeGaT Center For Human Genetics Tuebingen Variant Classification Criteria Version 2. Collection method: clinical testing. Allele origin: germline. Affected: yes. Observed: 6 variant alleles.
Comment: PKD1: BP4, BS1, BS2

Mayo Clinic Laboratories, Mayo Clinic
Classification: Likely benign. Last evaluated: 2024-11-27. Review status: criteria provided, single submitter. Criteria: ACMG Guidelines, 2015. Collection method: clinical testing. Allele origin: germline. Observed: 4 variant alleles.
Comment: BS1, BP4

Blueprint Genetics
Classification: Likely benign. Last evaluated: 2024-10-09. Review status: criteria provided, single submitter. Criteria: ACMG Guidelines, 2015. Collection method: clinical testing. Allele origin: germline.

Department of Pathology and Laboratory Medicine, Sinai Health System
Classification: Likely benign for Polycystic kidney disease, adult type. Last evaluated: 2022-02-08. Review status: criteria provided, single submitter. Criteria: ACMG Guidelines, 2015. Collection method: clinical testing. Allele origin: germline. Affected: yes.

Ambry Genetics
Classification: Uncertain significance for Inborn genetic diseases. Last evaluated: 2021-06-11. Review status: criteria provided, single submitter. Criteria: Ambry Variant Classification Scheme 2023. Collection method: clinical testing. Allele origin: germline.

Athena Diagnostics
Classification: Benign. Last evaluated: 2020-10-27. Review status: criteria provided, single submitter. Criteria: Athena Diagnostics criteria. Collection method: clinical testing. Allele origin: unknown.

ARUP Laboratories, Molecular Genetics and Genomics, ARUP Laboratories
Classification: Likely benign for Polycystic kidney disease, adult type. Last evaluated: 2019-09-06. Review status: criteria provided, single submitter. Criteria: ARUP Molecular Germline Variant Investigation Process. Collection method: clinical testing. Allele origin: germline.

Clinical Genetics DNA and cytogenetics Diagnostics Lab, Erasmus MC, Erasmus Medical Center
Classification: Likely benign. Review status: no assertion criteria provided. Collection method: clinical testing. Allele origin: germline. Affected: yes. Study: VKGL Data-share Consensus. Not counted in ClinVar's aggregate classification.

Genome Diagnostics Laboratory, University Medical Center Utrecht
Classification: Benign. Review status: no assertion criteria provided. Collection method: clinical testing. Allele origin: germline. Affected: yes. Study: VKGL Data-share Consensus. Not counted in ClinVar's aggregate classification.

Literature cited by the submitters: PubMed 11115377 (cited by Women's Health and Genetics/Laboratory Corporation of America, LabCorp and Department of Pathology and Laboratory Medicine, Sinai Health System); PubMed 17574468 (cited by Women's Health and Genetics/Laboratory Corporation of America, LabCorp and Department of Pathology and Laboratory Medicine, Sinai Health System).